The following is an entry in ClinVar:

NM_001199138.2(NLRC4):c.1558G>A (p.Gly520Arg)

Gene: NLRC4 (NLR family CARD domain containing 4; minus strand). Cytogenetic location: 2p22.3.
Variant type: single nucleotide variant.
Coding change: c.1558G>A on transcript NM_001199138.2 (MANE Select); coding-DNA position 1558, G replaced by A.
Protein change: p.Gly520Arg; replaces glycine 520 with arginine.
Molecular consequence: missense variant. On other transcripts: intron variant (1).
Genome position (GRCh38, 1-based): chr2:32,250,306, C>T on the plus strand (G>A on the coding strand, the complement: NLRC4 is on the minus strand). VCF-style: chr2-32250306-C-T. GRCh37 (hg19) VCF-style: chr2-32475375-C-T.
Other names: c.1558G>A, p.Gly520Arg (NM_001199139.2, NM_021209.5); c.262+2113G>A (NM_001302504.1); short protein forms G520R.
Identifiers: ClinVar variation 1979388 (VCV001979388.6), dbSNP rs747839988, ClinGen allele CA1601969.
Genomic context (GRCh38, chr2:32,250,306, plus strand): 5'-TGTTTTTCACACTTTGCAAAGATTCCTGTCTCCAGAGAGGCCTCTTGGCGATGGAAAGTC[C>T]GAGAAGGCAGCCGTGTTGATACACTGCTGCGAGGTGCTTCATAACAGCCCTGGTGGCTTC-3'
Protein context (NP_001186067.1, residues 510-530): AAVYQHGCLL[Gly520Arg]LSIAKRPLWR

ClinVar aggregate classification (germline): Uncertain significance. Review status: criteria provided, multiple submitters, no conflicts (2 of 4 stars). 3 submissions from 3 submitters: Uncertain significance (3). Last evaluated 2024-03-21.

Conditions:
Inborn genetic diseases. Identifiers: MedGen C0950123, MeSH D030342.
Periodic fever-infantile enterocolitis-autoinflammatory syndrome. Also called: Autoinflammation with infantile enterocolitis. Identifiers: Orphanet 436166, MedGen C4015067, MONDO:0014472, OMIM 616050.
Familial cold autoinflammatory syndrome 4 (FCAS4). Identifiers: Orphanet 47045, Orphanet 576349, MedGen C4015276, MONDO:0014498, OMIM 616115.

Allele frequency attached by ClinVar (database versions not stated): gnomAD exomes 0.00001; ExAC 0.00001.
gnomAD v4.1: 9 of 1,614,124 alleles (0.00056%); highest among the groups gnomAD compares: East Asian, 0.0022%; no homozygotes.

Submissions (3):

Ambry Genetics
Classification: Uncertain significance for Inborn genetic diseases. Last evaluated: 2024-03-21. Review status: criteria provided, single submitter. Criteria: Ambry Variant Classification Scheme 2023. Collection method: clinical testing. Allele origin: germline.

Labcorp Genetics (formerly Invitae), Labcorp
Classification: Uncertain significance for Periodic fever-infantile enterocolitis-autoinflammatory syndrome; Familial cold autoinflammatory syndrome 4. Last evaluated: 2022-10-22. Review status: criteria provided, single submitter. Criteria: Invitae Variant Classification Sherloc (09022015). Collection method: clinical testing. Allele origin: germline.
Comment: This sequence change replaces glycine, which is neutral and non-polar, with arginine, which is basic and polar, at codon 520 of the NLRC4 protein (p.Gly520Arg). This variant is present in population databases (rs747839988, gnomAD 0.006%). This variant has not been reported in the literature in individuals affected with NLRC4-related conditions. Advanced modeling of protein sequence and biophysical properties (such as structural, functional, and spatial information, amino acid conservation, physicochemical variation, residue mobility, and thermodynamic stability) performed at Invitae indicates that this missense variant is not expected to disrupt NLRC4 protein function. In summary, the available evidence is currently insufficient to determine the role of this variant in disease. Therefore, it has been classified as a Variant of Uncertain Significance.

Blueprint Genetics
Classification: Uncertain significance. Last evaluated: 2022-09-01. Review status: criteria provided, single submitter. Criteria: ACMG Guidelines, 2015. Collection method: clinical testing. Allele origin: germline.